The following is an entry in ClinVar:

ClinVar aggregate classification (germline): Likely benign. Review status: criteria provided, multiple submitters, no conflicts (2 of 4 stars). 2 submissions from 2 submitters: Likely benign (2). Last evaluated 2026-01-19.

Conditions:
MKS1-related disorder. Also called: MKS1-related disorders; MKS1-related condition. Identifiers: MedGen CN239382.
Joubert syndrome. Also called: Familial aplasia of the vermis; JOUBERT-BOLTSHAUSER SYNDROME. Identifiers: Orphanet 475, MedGen C5979921, MONDO:0018772.
Meckel-Gruber syndrome. Also called: Dysencephalia splachnocystica; DYSENCEPHALIA SPLANCHNOCYSTICA; GRUBER SYNDROME. Identifiers: Orphanet 564, MedGen C0265215, MONDO:0018921.

Allele frequency attached by ClinVar (database versions not stated): TOPMed below 0.00001; gnomAD 0.00001; gnomAD exomes 0.00003.
gnomAD v4.1: 44 of 1,614,000 alleles (0.0027%); highest among the groups gnomAD compares: Non-Finnish European, 0.0036%; no homozygotes.

Submissions (2):

Labcorp Genetics (formerly Invitae), Labcorp
Classification: Likely benign for Joubert syndrome; Meckel-Gruber syndrome. Last evaluated: 2026-01-19. Review status: criteria provided, single submitter. Criteria: Invitae Variant Classification Sherloc (09022015). Collection method: clinical testing. Allele origin: germline.

PreventionGenetics, part of Exact Sciences
Classification: Likely benign for MKS1-related condition. Last evaluated: 2025-05-12. Review status: criteria provided, single submitter. Criteria: ACMG Guidelines, 2015. Collection method: clinical testing. Allele origin: germline.
Comment: This variant is classified as likely benign based on ACMG/AMP sequence variant interpretation guidelines (Richards et al. 2015 PMID: 25741868, with internal and published modifications).

NM_017777.4(MKS1):c.687G>A (p.Lys229=)

Gene: MKS1 (MKS transition zone complex subunit 1; minus strand). Cytogenetic location: 17q22.
Variant type: single nucleotide variant.
Coding change: c.687G>A on transcript NM_017777.4 (MANE Select); coding-DNA position 687, G replaced by A.
Protein change: p.Lys229=; no amino-acid change (lysine 229 retained).
Molecular consequence: synonymous variant.
Genome position (GRCh38, 1-based): chr17:58,213,827, C>T on the plus strand (G>A on the coding strand, the complement: MKS1 is on the minus strand). VCF-style: chr17-58213827-C-T. GRCh37 (hg19) VCF-style: chr17-56291188-C-T.
Other names: c.78G>A, p.Lys26= (NM_001321268.2); c.687G>A, p.Lys229= (NM_001321269.2, NM_001330397.2); c.687G>A (NM_017777.3).
Identifiers: ClinVar variation 1501505 (VCV001501505.9), dbSNP rs1309433422, ClinGen allele CA501033530.